The following is an entry in ClinVar:

NM_001199267.2(DGKZ):c.1267G>A (p.Ala423Thr)

Gene: DGKZ (diacylglycerol kinase zeta; plus strand). Cytogenetic location: 11p11.2.
Variant type: single nucleotide variant.
Coding change: c.1267G>A on transcript NM_001199267.2 (MANE Select); coding-DNA position 1267, G replaced by A.
Protein change: p.Ala423Thr; replaces alanine 423 with threonine.
Molecular consequence: missense variant.
Genome position (GRCh38, 1-based): chr11:46,373,045, G>A. VCF-style: chr11-46373045-G-A. GRCh37 (hg19) VCF-style: chr11-46394595-G-A.
Other names: c.1834G>A, p.Ala612Thr (NM_001105540.2); c.1270G>A, p.Ala424Thr (NM_001199266.2, NM_003646.4); c.1201G>A, p.Ala401Thr (NM_001199268.2); c.1318G>A, p.Ala440Thr (NM_201532.3); c.1282G>A, p.Ala428Thr (NM_201533.3); short protein forms A401T, A428T, A423T, A612T, A424T, A440T.
Identifiers: ClinVar variation 1510811 (VCV001510811.7), dbSNP rs141331800, ClinGen allele CA5962784.
Genomic context (GRCh38, chr11:46,373,045, plus strand): 5'-AAGATCCTCTCCCACGTGGAGGAGGGGAACGTGGTACAGCTGGACCGCTGGGACCTCCAC[G>A]CTGAGCCCAACCCCGAGGCAGGGCCTGAGGACCGAGATGAAGGCGCCACCGACCGGGTAA-3'
Protein context (NP_001186196.1, residues 413-433): VVQLDRWDLH[Ala423Thr]EPNPEAGPED

ClinVar aggregate classification (germline): Uncertain significance. Review status: criteria provided, multiple submitters, no conflicts (2 of 4 stars). 2 submissions from 2 submitters: Uncertain significance (2). Last evaluated 2025-07-14.

Allele frequency attached by ClinVar (database versions not stated): ESP Exome Variant Server 0.00008; gnomAD exomes 0.00015 and 0.00017; ExAC 0.00016; 1000 Genomes Project 0.00020; TOPMed 0.00025; gnomAD 0.00027 and 0.00029; 1000 Genomes Project 30x 0.00031.
gnomAD v4.1: 284 of 1,543,222 alleles (0.018%); highest among the groups gnomAD compares: Middle Eastern, 0.052%; 1 homozygote.

Submissions (2):

Labcorp Genetics (formerly Invitae), Labcorp
Classification: Uncertain significance. Last evaluated: 2025-07-14. Review status: criteria provided, single submitter. Criteria: Invitae Variant Classification Sherloc (09022015). Collection method: clinical testing. Allele origin: germline.
Comment: This sequence change replaces alanine, which is neutral and non-polar, with threonine, which is neutral and polar, at codon 612 of the DGKZ protein (p.Ala612Thr). This variant is present in population databases (rs141331800, gnomAD 0.03%). This variant has not been reported in the literature in individuals affected with DGKZ-related conditions. ClinVar contains an entry for this variant (Variation ID: 1510811). An algorithm developed to predict the effect of missense changes on protein structure and function (PolyPhen-2) suggests that this variant is likely to be tolerated. In summary, the available evidence is currently insufficient to determine the role of this variant in disease. Therefore, it has been classified as a Variant of Uncertain Significance.

Breakthrough Genomics
Classification: Uncertain significance. Review status: criteria provided, single submitter. Criteria: ACMG Guidelines, 2015. Collection method: not provided. Allele origin: germline. Inheritance: Unknown mechanism. Affected: yes.